The following is an entry in ClinVar:

ClinVar aggregate classification (germline): Uncertain significance (1 of 4 stars; one submission).

Conditions:
Bailey-Bloch congenital myopathy (CMYO13). Also called: STAC3 disorder; Congenital myopathy 13; Native American myopathy. Identifiers: Orphanet 168572, MedGen C1850625, MONDO:0009722, OMIM 255995.

Allele frequency attached by ClinVar (database versions not stated): gnomAD 0.00001; gnomAD exomes 0.00001 and 0.00002; TOPMed 0.00001; ExAC 0.00004.
gnomAD v4.1: 12 of 1,613,376 alleles (0.00074%); highest among the groups gnomAD compares: Non-Finnish European, 0.00068%; no homozygotes.

Submission:

Labcorp Genetics (formerly Invitae), Labcorp
Classification: Uncertain significance for Bailey-Bloch congenital myopathy. Last evaluated: 2021-08-06. Review status: criteria provided, single submitter. Criteria: Invitae Variant Classification Sherloc (09022015). Collection method: clinical testing. Allele origin: germline.
Comment: This sequence change replaces aspartic acid with asparagine at codon 87 of the STAC3 protein (p.Asp87Asn). The aspartic acid residue is highly conserved and there is a small physicochemical difference between aspartic acid and asparagine. This variant is present in population databases (rs776406787, ExAC 0.008%). This variant has not been reported in the literature in individuals with STAC3-related disease. Algorithms developed to predict the effect of missense changes on protein structure and function do not agree on the potential impact of this missense change (SIFT: "Deleterious"; PolyPhen-2: "Possibly Damaging"; Align-GVGD: "Class C0"). In summary, the available evidence is currently insufficient to determine the role of this variant in disease. Therefore, it has been classified as a Variant of Uncertain Significance.

NM_145064.3(STAC3):c.259G>A (p.Asp87Asn)

Gene: STAC3 (SH3 and cysteine rich domain 3; minus strand). Cytogenetic location: 12q13.3.
Variant type: single nucleotide variant.
Coding change: c.259G>A on transcript NM_145064.3 (MANE Select); coding-DNA position 259, G replaced by A.
Protein change: p.Asp87Asn; replaces aspartic acid 87 with asparagine.
Molecular consequence: missense variant. On other transcripts: intron variant (1).
Genome position (GRCh38, 1-based): chr12:57,249,116, C>T on the plus strand (G>A on the coding strand, the complement: STAC3 is on the minus strand). VCF-style: chr12-57249116-C-T. GRCh37 (hg19) VCF-style: chr12-57642899-C-T.
Other names: c.142G>A, p.Asp48Asn (NM_001286256.2); c.-126-918G>A (NM_001286257.2); short protein forms D87N, D48N.
Identifiers: ClinVar variation 534096 (VCV000534096.9), dbSNP rs776406787, ClinGen allele CA6647209.
Genomic context (GRCh38, chr12:57,249,116, plus strand): 5'-CACAGACATCACAGAACTTTGGCTTCTTGAAGAAGTGATCTTTGAATTTGTGGGGCTTAT[C>T]GTTGACCAGCTTAGGAGGTTCTGGGGGTGGCTCCTCCTCCTCCTCTTCTTCCTCTTCCTC-3'
Protein context (NP_659501.1, residues 77-97): PPPEPPKLVN[Asp87Asn]KPHKFKDHFF